The following is an entry in ClinVar:

ClinVar aggregate classification (germline): Uncertain significance (1 of 4 stars; one submission).

Conditions:
TNC-related disorder. Also called: TNC-related condition.

Submission:

PreventionGenetics, part of Exact Sciences
Classification: Uncertain significance for TNC-related condition. Last evaluated: 2025-11-06. Review status: criteria provided, single submitter. Criteria: ACMG Guidelines, 2015. Collection method: clinical testing. Allele origin: germline.
Comment: The TNC c.4307-1G>A variant is predicted to disrupt the AG splice acceptor site and interfere with normal splicing. To our knowledge, this variant has not been reported in the literature or in a large population database (gnomAD), indicating this variant is rare. At this time, the clinical significance of this variant is uncertain due to the absence of conclusive functional and genetic evidence.

NM_002160.4(TNC):c.4307-1G>A

Gene: TNC (tenascin C; minus strand). Cytogenetic location: 9q33.1.
Variant type: single nucleotide variant.
Coding change: c.4307-1G>A on transcript NM_002160.4 (MANE Select); the canonical splice acceptor site of the intron before coding-DNA position 4307, G replaced by A.
Molecular consequence: splice acceptor variant. On other transcripts: intron variant (10).
Genome position (GRCh38, 1-based): chr9:115,057,426, C>T on the plus strand (G>A on the coding strand, the complement: TNC is on the minus strand). VCF-style: chr9-115057426-C-T. GRCh37 (hg19) VCF-style: chr9-117819705-C-T.
Other names: c.3215-15085G>A (NM_001439099.1, NM_001439100.1, NM_001439101.1); c.3215-10744G>A (NM_001439096.1); c.3215-1G>A (NM_001439098.1, NM_001439094.1, NM_001439090.1); c.3487+7221G>A (NM_001439097.1); c.3760+6370G>A (NM_001439093.1, NM_001439095.1); c.4034-1G>A (NM_001439087.1, NM_001439083.1, NM_001439080.1 and 8 more transcripts); c.4033+5491G>A (NM_001439089.1, NM_001439091.1, NM_001439092.1); c.4307-1G>A (NM_001439084.1, NM_001439077.1, NM_001439068.1 and 11 more transcripts).
Identifiers: ClinVar variation 4996535 (VCV004996535.1).